The following is an entry in ClinVar:

ClinVar aggregate classification (germline): Likely benign. Review status: criteria provided, multiple submitters, no conflicts (2 of 4 stars). 2 submissions from 2 submitters: Likely benign (2). Last evaluated 2025-03-15.

Conditions:
Familial melanoma. Also called: Hereditary melanoma; Hereditary cutaneous melanoma. Identifiers: Orphanet 618, MedGen C1512419, MONDO:0018961.

Allele frequency attached by ClinVar (database versions not stated): gnomAD exomes 0.00001.

Submissions (2):

Labcorp Genetics (formerly Invitae), Labcorp
Classification: Likely benign for Familial melanoma. Last evaluated: 2025-03-15. Review status: criteria provided, single submitter. Criteria: Invitae Variant Classification Sherloc (09022015). Collection method: clinical testing. Allele origin: germline.

GeneDx
Classification: Likely benign. Last evaluated: 2017-02-17. Review status: criteria provided, single submitter. Criteria: GeneDx Variant Classification (06012015). Collection method: clinical testing. Allele origin: germline. Affected: yes.
Comment: This variant is considered likely benign or benign based on one or more of the following criteria: it is a conservative change, it occurs at a poorly conserved position in the protein, it is predicted to be benign by multiple in silico algorithms, and/or has population frequency not consistent with disease.

NM_000075.4(CDK4):c.522+18A>G

Gene: CDK4 (cyclin dependent kinase 4; minus strand). Cytogenetic location: 12q14.1.
Variant type: single nucleotide variant.
Coding change: c.522+18A>G on transcript NM_000075.4 (MANE Select); 18 bases into the intron after coding-DNA position 522, A replaced by G.
Molecular consequence: intron variant.
Genome position (GRCh38, 1-based): chr12:57,750,905, T>C on the plus strand (A>G on the coding strand, the complement: CDK4 is on the minus strand). VCF-style: chr12-57750905-T-C. GRCh37 (hg19) VCF-style: chr12-58144688-T-C.
Other names: c.522+18A>G (LRG_490t1).
Identifiers: ClinVar variation 517768 (VCV000517768.8), dbSNP rs1555201289, ClinGen allele CA658797926.